The following is an entry in ClinVar:

NM_012309.5(SHANK2):c.4847T>C (p.Leu1616Pro)

Gene: SHANK2 (SH3 and multiple ankyrin repeat domains 2; minus strand). Cytogenetic location: 11q13.3.
Variant type: single nucleotide variant.
Coding change: c.4847T>C on transcript NM_012309.5 (MANE Select); coding-DNA position 4847, T replaced by C.
Protein change: p.Leu1616Pro; replaces leucine 1616 with proline.
Molecular consequence: missense variant.
Genome position (GRCh38, 1-based): chr11:70,485,446, A>G on the plus strand (T>C on the coding strand, the complement: SHANK2 is on the minus strand). VCF-style: chr11-70485446-A-G. GRCh37 (hg19) VCF-style: chr11-70331551-A-G.
Other names: c.3710T>C, p.Leu1237Pro (NM_001379226.1); c.3083T>C, p.Leu1028Pro (NM_133266.5); short protein forms L1028P, L1237P, L1616P.
Identifiers: ClinVar variation 2642073 (VCV002642073.24), dbSNP rs1555152791, ClinGen allele CA381679865.

ClinVar aggregate classification (germline): Uncertain significance (1 of 4 stars; one submission).

Allele frequency attached by ClinVar (database versions not stated): gnomAD exomes 0.00001.
gnomAD v4.1: 11 of 1,613,974 alleles (0.00068%); highest among the groups gnomAD compares: Non-Finnish European, 0.00085%; no homozygotes.

Submission:

CeGaT Center for Human Genetics Tuebingen
Classification: Uncertain significance. Last evaluated: 2023-01-01. Review status: criteria provided, single submitter. Criteria: CeGaT Center For Human Genetics Tuebingen Variant Classification Criteria Version 2. Collection method: clinical testing. Allele origin: germline. Affected: yes. Observed: 1 variant allele.
Comment: SHANK2: PM2, BP4